The following is an entry in ClinVar:

NM_000535.7(PMS2):c.972C>T (p.Asn324=)

Gene: PMS2 (PMS1 homolog 2, mismatch repair system component; minus strand). Cytogenetic location: 7p22.1.
Variant type: single nucleotide variant.
Coding change: c.972C>T on transcript NM_000535.7 (MANE Select); coding-DNA position 972, C replaced by T.
Protein change: p.Asn324=; no amino-acid change (asparagine 324 retained).
Molecular consequence: synonymous variant. On other transcripts: non-coding transcript variant (1), intron variant (1).
Genome position (GRCh38, 1-based): chr7:5,991,989, G>A on the plus strand (C>T on the coding strand, the complement: PMS2 is on the minus strand). VCF-style: chr7-5991989-G-A. GRCh37 (hg19) VCF-style: chr7-6031620-G-A.
Other names: c.567C>T, p.Asn189= (NM_001322003.2, NM_001322004.2, NM_001322005.2 and 19 more transcripts); c.972C>T, p.Asn324= (NM_001322006.2, NM_001322014.2, NM_001406870.1 and 2 more transcripts); c.654C>T, p.Asn218= (NM_001322007.2, NM_001322008.2, NM_001406876.1 and 4 more transcripts); c.39C>T, p.Asn13= (NM_001322011.2, NM_001322012.2); c.399C>T, p.Asn133= (NM_001322013.2, NM_001406909.1); c.663C>T, p.Asn221= (NM_001322015.2, NM_001406875.1, NM_001406877.1 and 6 more transcripts); c.1158C>T, p.Asn386= (NM_001406866.1); c.996C>T, p.Asn332= (NM_001406868.1); and 8 more.
Identifiers: ClinVar variation 3903586 (VCV003903586.2).

ClinVar aggregate classification (germline): Benign/Likely benign. Review status: criteria provided, multiple submitters, no conflicts (2 of 4 stars). 2 submissions from 2 submitters: Benign (1); Likely benign (1). Last evaluated 2025-08-15.

Conditions:
Hereditary nonpolyposis colorectal neoplasms. Identifiers: MedGen C0009405, MeSH D003123.
Lynch syndrome 4 (LYNCH4). Also called: Hereditary non-polyposis colorectal cancer, type 4; Colorectal cancer, hereditary nonpolyposis, type 4. Identifiers: Orphanet 144, MedGen C1838333, MONDO:0013699, OMIM 614337. Disease mechanism: loss of function.

gnomAD v4.1: 1 of 1,580,878 alleles (0.000063%); highest among the groups gnomAD compares: Admixed American, 0.0017%; no homozygotes.

Submissions (2):

Labcorp Genetics (formerly Invitae), Labcorp
Classification: Likely benign for Hereditary nonpolyposis colorectal neoplasms. Last evaluated: 2025-08-15. Review status: criteria provided, single submitter. Criteria: Invitae Variant Classification Sherloc (09022015). Collection method: clinical testing. Allele origin: germline.

Myriad Genetics, Inc.
Classification: Benign for Lynch syndrome 4. Last evaluated: 2025-01-29. Review status: criteria provided, single submitter. Criteria: Myriad Autosomal Dominant, Autosomal Recessive and X-Linked Classification Criteria (2023). Collection method: clinical testing. Allele origin: unknown.
Comment: This variant is considered benign. This variant is a silent/synonymous amino acid change and it is not expected to impact splicing.